The following is an entry in ClinVar:

NM_201384.3(PLEC):c.9071A>T (p.Asn3024Ile)

Gene: PLEC (plectin; minus strand). Cytogenetic location: 8q24.3.
Variant type: single nucleotide variant.
Coding change: c.9071A>T on transcript NM_201384.3 (MANE Select); coding-DNA position 9071, A replaced by T.
Protein change: p.Asn3024Ile; replaces asparagine 3024 with isoleucine.
Molecular consequence: missense variant.
Genome position (GRCh38, 1-based): chr8:143,920,750, T>A on the plus strand (A>T on the coding strand, the complement: PLEC is on the minus strand). VCF-style: chr8-143920750-T-A. GRCh37 (hg19) VCF-style: chr8-144994918-T-A.
Other names: c.9152A>T, p.Asn3051Ile (NM_000445.5); c.9029A>T, p.Asn3010Ile (NM_201378.4); c.9005A>T, p.Asn3002Ile (NM_201379.3); c.9482A>T, p.Asn3161Ile (NM_201380.4); c.8975A>T, p.Asn2992Ile (NM_201381.3); c.9071A>T, p.Asn3024Ile (NM_201382.4); c.9083A>T, p.Asn3028Ile (NM_201383.3); short protein forms N3028I, N3010I, N2992I, N3161I, N3002I, N3024I, N3051I.
Identifiers: ClinVar variation 665562 (VCV000665562.1), dbSNP rs535089650, ClinGen allele CA4925088.
Genomic context (GRCh38, chr8:143,920,750, plus strand): 5'-AGGGCATTGTAGATACTCAGCTTCTGCCCCGCCTCCTCCAGCCATACACCCGCGATGACG[T>A]TGGCACCCCGGAGAGCCCGCCGCACAGTGTCCACCTCGGCTACGTCTCGCACAGAGCGCT-3'
Protein context (NP_958786.1, residues 3014-3034): DTVRRALRGA[Asn3024Ile]VIAGVWLEEA

ClinVar aggregate classification (germline): Uncertain significance (1 of 4 stars; one submission).

Conditions:
Epidermolysis bullosa simplex, Ogna type (EBS5A). Also called: Pidermolysis bullosa simplex 5A, Ogna type; EPIDERMOLYSIS BULLOSA SIMPLEX 5A, OGNA TYPE. Identifiers: Orphanet 79401, MedGen C0432317, MONDO:0007555, OMIM 131950.
Autosomal recessive limb-girdle muscular dystrophy type 2Q (LGMDR17). Also called: MUSCULAR DYSTROPHY, LIMB-GIRDLE, AUTOSOMAL RECESSIVE 17. Identifiers: Orphanet 254361, MedGen C3150989, MONDO:0013390, OMIM 613723.
Epidermolysis bullosa simplex with nail dystrophy (EBS5D). Identifiers: MedGen C4225309, MONDO:0014661, OMIM 616487.
Epidermolysis bullosa simplex 5B, with muscular dystrophy (EBS5B). Also called: Epidermolysis bullosa simplex with muscular dystrophy; EPIDERMOLYSIS BULLOSA SIMPLEX AND LIMB-GIRDLE MUSCULAR DYSTROPHY. Identifiers: Orphanet 257, MedGen C2931072, MONDO:0009181, OMIM 226670.
Epidermolysis bullosa simplex 5C, with pyloric atresia (EBS5C). Also called: PLEC-Related Epidermolysis Bullosa with Pyloric Atresia; PLEC1-Related Epidermolysis Bullosa with Pyloric Atresia; Epidermolysis bullosa simplex with pyloric atresia. Identifiers: Orphanet 158684, MedGen C2677349, MONDO:0012807, OMIM 612138.

gnomAD v4.1: 5 of 1,605,462 alleles (0.00031%); highest among the groups gnomAD compares: South Asian, 0.0033%; no homozygotes.

Submission:

Labcorp Genetics (formerly Invitae), Labcorp
Classification: Uncertain significance for Limb-girdle muscular dystrophy, type 2Q; Epidermolysis bullosa simplex, Ogna type; Epidermolysis bullosa simplex with nail dystrophy; Epidermolysis bullosa simplex with pyloric atresia; Epidermolysa bullosa simplex and limb girdle muscular dystrophy. Last evaluated: 2018-12-10. Review status: criteria provided, single submitter. Criteria: Invitae Variant Classification Sherloc (09022015). Collection method: clinical testing. Allele origin: germline.
Comment: This sequence change replaces asparagine with isoleucine at codon 3051 of the PLEC protein (p.Asn3051Ile). The asparagine residue is weakly conserved and there is a large physicochemical difference between asparagine and isoleucine. This variant is present in population databases (rs535089650, ExAC 0.006%). This variant has not been reported in the literature in individuals with PLEC-related conditions. Algorithms developed to predict the effect of missense changes on protein structure and function are either unavailable or do not agree on the potential impact of this missense change (SIFT: "Tolerated"; PolyPhen-2: "Possibly Damaging"; Align-GVGD: "Class C0"). In summary, the available evidence is currently insufficient to determine the role of this variant in disease. Therefore, it has been classified as a Variant of Uncertain Significance.